The following is an entry in ClinVar:

NM_001371986.1(UNC80):c.6893G>A (p.Trp2298Ter)

Gene: UNC80 (unc-80 subunit of NALCN channel complex; plus strand). Cytogenetic location: 2q34.
Variant type: single nucleotide variant.
Coding change: c.6893G>A on transcript NM_001371986.1 (MANE Select); coding-DNA position 6893, G replaced by A.
Protein change: p.Trp2298Ter; replaces tryptophan 2298 with a stop codon.
Molecular consequence: nonsense.
Genome position (GRCh38, 1-based): chr2:209,941,467, G>A. VCF-style: chr2-209941467-G-A. GRCh37 (hg19) VCF-style: chr2-210806191-G-A.
Other names: c.6695G>A, p.Trp2232Ter (NM_032504.2); c.6680G>A, p.Trp2227Ter (NM_182587.4); short protein forms W2232*, W2227*, W2298*.
Identifiers: ClinVar variation 424333 (VCV000424333.6), dbSNP rs1064796916, ClinGen allele CA16617420.

ClinVar aggregate classification (germline): Pathogenic. Review status: criteria provided, multiple submitters, no conflicts (2 of 4 stars). 2 submissions from 2 submitters: Pathogenic (2). Last evaluated 2022-10-27.

Submissions (2):

Labcorp Genetics (formerly Invitae), Labcorp
Classification: Pathogenic. Last evaluated: 2022-10-27. Review status: criteria provided, single submitter. Criteria: Invitae Variant Classification Sherloc (09022015). Collection method: clinical testing. Allele origin: germline.
Comment: This sequence change creates a premature translational stop signal (p.Trp2232*) in the UNC80 gene. It is expected to result in an absent or disrupted protein product. Loss-of-function variants in UNC80 are known to be pathogenic (PMID: 26545877, 26708751, 26708753). This variant is not present in population databases (gnomAD no frequency). This variant has not been reported in the literature in individuals affected with UNC80-related conditions. ClinVar contains an entry for this variant (Variation ID: 424333). For these reasons, this variant has been classified as Pathogenic.

GeneDx
Classification: Pathogenic. Last evaluated: 2019-07-29. Review status: criteria provided, single submitter. Criteria: GeneDx Variant Classification Process June 2021. Collection method: clinical testing. Allele origin: germline. Affected: yes.
Comment: Nonsense variant predicted to result in protein truncation or nonsense mediated decay in a gene for which loss-of-function is a known mechanism of disease; Not observed in large population cohorts (Lek et al., 2016); Has not been previously published as pathogenic or benign to our knowledge

Literature cited by the submitters: PubMed 26545877 (cited by Labcorp Genetics (formerly Invitae), Labcorp); PubMed 26708751 (cited by Labcorp Genetics (formerly Invitae), Labcorp); PubMed 26708753 (cited by Labcorp Genetics (formerly Invitae), Labcorp).